The following is an entry in ClinVar:

NM_004434.3(EML1):c.575G>A (p.Arg192His)

Gene: EML1 (EMAP like 1; plus strand). Cytogenetic location: 14q32.2.
Variant type: single nucleotide variant.
Coding change: c.575G>A on transcript NM_004434.3 (MANE Select); coding-DNA position 575, G replaced by A.
Protein change: p.Arg192His; replaces arginine 192 with histidine.
Molecular consequence: missense variant.
Genome position (GRCh38, 1-based): chr14:99,894,656, G>A. VCF-style: chr14-99894656-G-A. GRCh37 (hg19) VCF-style: chr14-100360993-G-A.
Other names: c.632G>A, p.Arg211His (NM_001008707.2); c.536G>A, p.Arg179His (NM_001375411.1); c.575G>A, p.Arg192His (NM_001375412.1); c.632G>A (NM_001008707.1); short protein forms R179H, R192H, R211H.
Identifiers: ClinVar variation 2635040 (VCV002635040.2), dbSNP rs749083976, ClinGen allele CA7342370.

ClinVar aggregate classification (germline): Uncertain significance. Review status: criteria provided, multiple submitters, no conflicts (2 of 4 stars). 2 submissions from 2 submitters: Uncertain significance (2). Last evaluated 2024-01-22.

Conditions:
Inborn genetic diseases. Identifiers: MedGen C0950123, MeSH D030342.
EML1-related disorder. Also called: EML1-related condition.

Allele frequency attached by ClinVar (database versions not stated): gnomAD exomes 0.00001; gnomAD 0.00003; ExAC 0.00007; TOPMed 0.00011.
gnomAD v4.1: 27 of 1,612,140 alleles (0.0017%); highest among the groups gnomAD compares: Admixed American, 0.023%; no homozygotes.

Submissions (2):

Ambry Genetics
Classification: Uncertain significance for Inborn genetic diseases. Last evaluated: 2024-01-22. Review status: criteria provided, single submitter. Criteria: Ambry Variant Classification Scheme 2023. Collection method: clinical testing. Allele origin: germline.

PreventionGenetics, part of Exact Sciences
Classification: Uncertain significance for EML1-related condition. Last evaluated: 2022-12-09. Review status: criteria provided, single submitter. Criteria: ACMG Guidelines, 2015. Collection method: clinical testing. Allele origin: germline.
Comment: The EML1 c.575G>A variant is predicted to result in the amino acid substitution p.Arg192His. To our knowledge, this variant has not been reported in the literature. This variant is reported in 0.032% of alleles in individuals of Latino descent in gnomAD. At this time, the clinical significance of this variant is uncertain due to the absence of conclusive functional and genetic evidence.